The following is an entry in ClinVar:

NM_001036.6(RYR3):c.9715G>A (p.Asp3239Asn)

Gene: RYR3 (ryanodine receptor 3; plus strand). Cytogenetic location: 15q14.
Variant type: single nucleotide variant.
Coding change: c.9715G>A on transcript NM_001036.6 (MANE Select); coding-DNA position 9715, G replaced by A.
Protein change: p.Asp3239Asn; replaces aspartic acid 3239 with asparagine.
Molecular consequence: missense variant.
Genome position (GRCh38, 1-based): chr15:33,788,343, G>A. VCF-style: chr15-33788343-G-A. GRCh37 (hg19) VCF-style: chr15-34080544-G-A.
Other names: c.9715G>A, p.Asp3239Asn (NM_001243996.4); short protein forms D3239N.
Identifiers: ClinVar variation 639740 (VCV000639740.8), dbSNP rs200275874, ClinGen allele CA7460588.

ClinVar aggregate classification (germline): Uncertain significance (1 of 4 stars; one submission).

Conditions:
Epileptic encephalopathy. Identifiers: MedGen C0543888, HP:0200134.

Allele frequency attached by ClinVar (database versions not stated): ExAC 0.00001; gnomAD exomes 0.00001 and 0.00002; gnomAD 0.00004; TOPMed 0.00006; ESP Exome Variant Server 0.00008.
gnomAD v4.1: 41 of 1,613,818 alleles (0.0025%); highest among the groups gnomAD compares: African/African-American, 0.015%; no homozygotes.

Submission:

Labcorp Genetics (formerly Invitae), Labcorp
Classification: Uncertain significance for Epileptic encephalopathy. Last evaluated: 2022-06-29. Review status: criteria provided, single submitter. Criteria: Invitae Variant Classification Sherloc (09022015). Collection method: clinical testing. Allele origin: germline.
Comment: In summary, the available evidence is currently insufficient to determine the role of this variant in disease. Therefore, it has been classified as a Variant of Uncertain Significance. Algorithms developed to predict the effect of missense changes on protein structure and function are either unavailable or do not agree on the potential impact of this missense change (SIFT: "Deleterious"; PolyPhen-2: "Possibly Damaging"; Align-GVGD: "Class C0"). ClinVar contains an entry for this variant (Variation ID: 639740). This variant has not been reported in the literature in individuals affected with RYR3-related conditions. This variant is present in population databases (rs200275874, gnomAD 0.02%). This sequence change replaces aspartic acid, which is acidic and polar, with asparagine, which is neutral and polar, at codon 3239 of the RYR3 protein (p.Asp3239Asn).